The following is an entry in ClinVar:

ClinVar aggregate classification (germline): Uncertain significance. Review status: criteria provided, multiple submitters, no conflicts (2 of 4 stars). 2 submissions from 2 submitters: Uncertain significance (2). Last evaluated 2025-09-28.

Conditions:
Inborn genetic diseases. Identifiers: MedGen C0950123, MeSH D030342.

Allele frequency attached by ClinVar (database versions not stated): gnomAD 0.00001 and 0.00002; gnomAD exomes 0.00002 and 0.00004; ExAC 0.00003; TOPMed 0.00003.
gnomAD v4.1: 38 of 1,611,890 alleles (0.0024%); highest among the groups gnomAD compares: South Asian, 0.021%; no homozygotes.

Submissions (2):

Ambry Genetics
Classification: Uncertain significance for Inborn genetic diseases. Last evaluated: 2025-09-28. Review status: criteria provided, single submitter. Criteria: Ambry Variant Classification Scheme 2023. Collection method: clinical testing. Allele origin: germline.

Labcorp Genetics (formerly Invitae), Labcorp
Classification: Uncertain significance. Last evaluated: 2025-02-10. Review status: criteria provided, single submitter. Criteria: Invitae Variant Classification Sherloc (09022015). Collection method: clinical testing. Allele origin: germline.
Comment: This sequence change replaces valine, which is neutral and non-polar, with isoleucine, which is neutral and non-polar, at codon 495 of the ARCN1 protein (p.Val495Ile). This variant is present in population databases (rs782702719, gnomAD 0.02%). This variant has not been reported in the literature in individuals affected with ARCN1-related conditions. ClinVar contains an entry for this variant (Variation ID: 1488826). An algorithm developed to predict the effect of missense changes on protein structure and function (PolyPhen-2) suggests that this variant is likely to be tolerated. In summary, the available evidence is currently insufficient to determine the role of this variant in disease. Therefore, it has been classified as a Variant of Uncertain Significance.

NM_001655.5(ARCN1):c.1483G>A (p.Val495Ile)

Gene: ARCN1 (archain 1 coat protein complex I subunit delta; plus strand). Cytogenetic location: 11q23.3.
Variant type: single nucleotide variant.
Coding change: c.1483G>A on transcript NM_001655.5 (MANE Select); coding-DNA position 1483, G replaced by A.
Protein change: p.Val495Ile; replaces valine 495 with isoleucine.
Molecular consequence: missense variant.
Genome position (GRCh38, 1-based): chr11:118,600,661, G>A. VCF-style: chr11-118600661-G-A. GRCh37 (hg19) VCF-style: chr11-118471376-G-A.
Other names: c.1483G>A (NM_001655.4); c.1219G>A, p.Val407Ile (NM_001142281.2); short protein forms V407I, V495I.
Identifiers: ClinVar variation 1488826 (VCV001488826.12), dbSNP rs782702719, ClinGen allele CA6306316.
Genomic context (GRCh38, chr11:118,600,661, plus strand): 5'-CTTACTCTTTGTTTATTTTCCTAGGTTACCAAAGTGACCCAGGTAGATGGAAACAGCCCC[G>A]TCAGGTTTTCCACAGAGACCACTTTCCTAGTGGATAAGTATGAAATTCTGTAATACCAAG-3'
Protein context (NP_001646.2, residues 485-505): KVTQVDGNSP[Val495Ile]RFSTETTFLV